The following is an entry in ClinVar:

ClinVar aggregate classification (germline): Pathogenic. Review status: reviewed by expert panel (3 of 4 stars). 2 submissions from 2 submitters: Pathogenic (1). 1 of the submissions does not count toward it. Last evaluated 2017-12-15.

Conditions:
Hereditary cancer-predisposing syndrome. Also called: Hereditary Cancer Syndrome; Hereditary neoplastic syndrome; Tumor predisposition; Neoplastic Syndromes, Hereditary. Identifiers: Orphanet 140162, MedGen C0027672, MeSH D009386, MONDO:0015356.
Breast-ovarian cancer, familial, susceptibility to, 2 (BROVCA2). Also called: BRCA2 Hereditary Breast and Ovarian Cancer. Identifiers: Orphanet 145, MedGen C2675520, MONDO:0012933, OMIM 612555. Disease mechanism: loss of function.

Submissions (2):

Evidence-based Network for the Interpretation of Germline Mutant Alleles (ENIGMA)
Classification: Pathogenic for Breast-ovarian cancer, familial, susceptibility to, 2. Last evaluated: 2017-12-15. Review status: reviewed by expert panel. Criteria: ENIGMA BRCA1/2 Classification Criteria (2017-06-29). Collection method: curation. Allele origin: germline. Study: ENIGMA.
Comment: Variant allele predicted to encode a truncated non-functional protein.

Ambry Genetics
Classification: Pathogenic for Hereditary cancer-predisposing syndrome. Last evaluated: 2017-02-13. Review status: criteria provided, single submitter. Criteria: Ambry Variant Classification Scheme 2023. Collection method: clinical testing. Allele origin: germline. Not counted in ClinVar's aggregate classification.
Comment: The c.5184_5185delCA variant, located in coding exon 10 of the BRCA2 gene, results from a deletion of two nucleotides at nucleotide positions 5184 to 5185, causing a translational frameshift with a predicted alternate stop codon (p.D1728Efs*14). This alteration is expected to result in loss of function by premature protein truncation or nonsense-mediated mRNA decay. As such, this alteration is interpreted as a disease-causing mutation.

NM_000059.4(BRCA2):c.5184_5185del (p.Asp1728fs)

Gene: BRCA2 (BRCA2 DNA repair associated; plus strand). Cytogenetic location: 13q13.1.
Variant type: Deletion.
Coding change: c.5184_5185del on transcript NM_000059.4 (MANE Select); coding-DNA positions 5184 to 5185, 2 bases deleted (CA; older notation c.5184_5185delCA).
Protein change: p.Asp1728fs; shifts the reading frame from aspartic acid 1728.
Molecular consequence: frameshift variant.
Genome position (GRCh38, 1-based): chr13:32,339,539-32,339,540, CA deleted; deleting any 2 consecutive bases within chr13:32,339,538-32,339,540 gives the same sequence; the c. name uses the placement nearest the transcript's 3' end. VCF-style (leftmost placement, unchanged base first): chr13-32339537-GAC-G. GRCh37 (hg19) VCF-style: chr13-32913674-GAC-G.
Other names: c.5184_5185delCA (NM_000059.3); short protein forms D1728fs.
Identifiers: ClinVar variation 441526 (VCV000441526.5), dbSNP rs1555284094, ClinGen allele CA658653675.
Genomic context (GRCh38, chr13:32,339,537, plus strand): 5'-GCAGATTATGTAGGAAATTATTTGTATGAAAATAATTCAAACAGTACTATAGCTGAAAAT[GAC>G]AAAAATCATCTCTCCGAAAAACAAGATACTTATTTAAGTAACAGTAGCATGTCTAACAGC-3'